The following is an entry in ClinVar:

ClinVar aggregate classification (germline): Pathogenic (1 of 4 stars; one submission).

Conditions:
Early-infantile DEE. Also called: Early infantile epileptic encephalopathy; Ohtahara syndrome; Early infantile epileptic encephalopathy with suppression bursts. Identifiers: Orphanet 1934, MedGen C0393706, MONDO:0800491.

Submission:

Labcorp Genetics (formerly Invitae), Labcorp
Classification: Pathogenic for Early-infantile DEE. Last evaluated: 2024-05-17. Review status: criteria provided, single submitter. Criteria: Invitae Variant Classification Sherloc (09022015). Collection method: clinical testing. Allele origin: germline.
Comment: This sequence change replaces phenylalanine, which is neutral and non-polar, with leucine, which is neutral and non-polar, at codon 987 of the SCN1A protein (p.Phe987Leu). This variant is not present in population databases (gnomAD no frequency). This missense change has been observed in individual(s) with SCN1A-related epilepsy (PMID: 23195492, 35663268). In at least one individual the variant was observed to be de novo. Advanced modeling of protein sequence and biophysical properties (such as structural, functional, and spatial information, amino acid conservation, physicochemical variation, residue mobility, and thermodynamic stability) performed at Invitae indicates that this missense variant is expected to disrupt SCN1A protein function with a positive predictive value of 95%. For these reasons, this variant has been classified as Pathogenic.

Literature cited by the submitters: PubMed 23195492; PubMed 35663268.

NM_001165963.4(SCN1A):c.2961T>A (p.Phe987Leu)

Gene: SCN1A (sodium voltage-gated channel alpha subunit 1; minus strand). Cytogenetic location: 2q24.3.
Variant type: single nucleotide variant.
Coding change: c.2961T>A on transcript NM_001165963.4 (MANE Select); coding-DNA position 2961, T replaced by A.
Protein change: p.Phe987Leu; replaces phenylalanine 987 with leucine.
Molecular consequence: missense variant. On other transcripts: non-coding transcript variant (1).
Genome position (GRCh38, 1-based): chr2:166,036,516, A>T on the plus strand (T>A on the coding strand, the complement: SCN1A is on the minus strand). VCF-style: chr2-166036516-A-T. GRCh37 (hg19) VCF-style: chr2-166893026-A-T.
Other names: c.2877T>A, p.Phe959Leu (NM_001165964.3, NM_001353957.2, NM_001353958.2); c.2961T>A, p.Phe987Leu (NM_001202435.3, NM_001353948.2); c.2928T>A, p.Phe976Leu (NM_001353949.2, NM_001353950.2, NM_001353951.2 and 2 more transcripts); c.2925T>A, p.Phe975Leu (NM_001353954.2, NM_001353955.2); c.2874T>A, p.Phe958Leu (NM_001353960.2); c.519T>A, p.Phe173Leu (NM_001353961.2); short protein forms F173L, F975L, F987L, F958L, F959L, F976L.
Identifiers: ClinVar variation 3634035 (VCV003634035.2).